The following is an entry in ClinVar:

NM_032578.4(MYPN):c.903-3C>A

Gene: MYPN (myopalladin; plus strand). Cytogenetic location: 10q21.3.
Variant type: single nucleotide variant.
Coding change: c.903-3C>A on transcript NM_032578.4 (MANE Select); 3 bases into the intron before coding-DNA position 903, C replaced by A.
Molecular consequence: intron variant.
Genome position (GRCh38, 1-based): chr10:68,142,937, C>A. VCF-style: chr10-68142937-C-A. GRCh37 (hg19) VCF-style: chr10-69902694-C-A.
Other names: c.903-3C>A (NM_001256267.2); c.21-3C>A (NM_001256268.2).
Identifiers: ClinVar variation 851449 (VCV000851449.6), dbSNP rs1172497360, ClinGen allele CA593833090.

ClinVar aggregate classification (germline): Conflicting classifications of pathogenicity. Review status: criteria provided, conflicting classifications (1 of 4 stars). 2 submissions from 2 submitters: Uncertain significance (1); Likely benign (1). Last evaluated 2025-10-20.

Conditions:
MYPN-related disorder. Also called: MYPN-related condition.
Dilated cardiomyopathy 1KK (CMD1KK). Identifiers: Orphanet 154, Orphanet 75249, MedGen C3714995, MONDO:0014100, OMIM 615248.

Allele frequency attached by ClinVar (database versions not stated): gnomAD exomes below 0.00001 and 0.00001; gnomAD 0.00001; TOPMed 0.00001.
gnomAD v4.1: 16 of 1,613,856 alleles (0.00099%); highest among the groups gnomAD compares: East Asian, 0.02%; no homozygotes.

Submissions (2):

PreventionGenetics, part of Exact Sciences
Classification: Likely benign for MYPN-related condition. Last evaluated: 2025-10-20. Review status: criteria provided, single submitter. Criteria: ACMG Guidelines, 2015. Collection method: clinical testing. Allele origin: germline.
Comment: This variant is classified as likely benign based on ACMG/AMP sequence variant interpretation guidelines (Richards et al. 2015 PMID: 25741868, with internal and published modifications).

Labcorp Genetics (formerly Invitae), Labcorp
Classification: Uncertain significance for Dilated cardiomyopathy 1KK. Last evaluated: 2021-11-17. Review status: criteria provided, single submitter. Criteria: Invitae Variant Classification Sherloc (09022015). Collection method: clinical testing. Allele origin: germline.
Comment: In summary, the available evidence is currently insufficient to determine the role of this variant in disease. Therefore, it has been classified as a Variant of Uncertain Significance. Variants that disrupt the consensus splice site are a relatively common cause of aberrant splicing (PMID: 17576681, 9536098). Algorithms developed to predict the effect of sequence changes on RNA splicing suggest that this variant may disrupt the consensus splice site. ClinVar contains an entry for this variant (Variation ID: 851449). This variant has not been reported in the literature in individuals affected with MYPN-related conditions. This variant is present in population databases (no rsID available, gnomAD 0.006%). This sequence change falls in intron 2 of the MYPN gene. It does not directly change the encoded amino acid sequence of the MYPN protein. It affects a nucleotide within the consensus splice site.

Literature cited by the submitters: PubMed 17576681 (cited by Labcorp Genetics (formerly Invitae), Labcorp); PubMed 9536098 (cited by Labcorp Genetics (formerly Invitae), Labcorp).